The following is an entry in ClinVar:

NM_012213.3(MLYCD):c.13G>A (p.Gly5Arg)

Genes: MLYCD (malonyl-CoA decarboxylase; plus strand), LOC130059554 (ATAC-STARR-seq lymphoblastoid silent region 7769; plus strand). Cytogenetic location: 16q23.3.
Variant type: single nucleotide variant.
Coding change: c.13G>A on transcript NM_012213.3 (MANE Select); coding-DNA position 13, G replaced by A.
Protein change: p.Gly5Arg; replaces glycine 5 with arginine.
Molecular consequence: missense variant.
Genome position (GRCh38, 1-based): chr16:83,899,157, G>A. VCF-style: chr16-83899157-G-A. GRCh37 (hg19) VCF-style: chr16-83932762-G-A.
Other names: short protein forms G5R.
Identifiers: ClinVar variation 320720 (VCV000320720.12), dbSNP rs745604653, ClinGen allele CA8197167.

ClinVar aggregate classification (germline): Conflicting classifications of pathogenicity. Review status: criteria provided, conflicting classifications (1 of 4 stars). 5 submissions from 5 submitters: Uncertain significance (2); Likely benign (2). 1 of the submissions does not count toward it. Last evaluated 2024-08-05.

Conditions:
MLYCD-related disorder. Also called: MLYCD-related condition.
Deficiency of malonyl-CoA decarboxylase. Also called: Malonic aciduria; MCD deficiency. Identifiers: Orphanet 943, MedGen C0342793, MONDO:0009556, OMIM 248360.

Allele frequency attached by ClinVar (database versions not stated): TOPMed 0.00035; gnomAD exomes 0.00064; ExAC 0.00281.

Submissions (5):

Blueprint Genetics
Classification: Likely benign. Last evaluated: 2024-08-05. Review status: criteria provided, single submitter. Criteria: ACMG Guidelines, 2015. Collection method: clinical testing. Allele origin: germline.

Labcorp Genetics (formerly Invitae), Labcorp
Classification: Uncertain significance for Deficiency of malonyl-CoA decarboxylase. Last evaluated: 2022-08-22. Review status: criteria provided, single submitter. Criteria: Invitae Variant Classification Sherloc (09022015). Collection method: clinical testing. Allele origin: germline.
Comment: This sequence change replaces glycine, which is neutral and non-polar, with arginine, which is basic and polar, at codon 5 of the MLYCD protein (p.Gly5Arg). The frequency data for this variant in the population databases is considered unreliable, as metrics indicate poor data quality at this position in the gnomAD database. This variant has not been reported in the literature in individuals affected with MLYCD-related conditions. ClinVar contains an entry for this variant (Variation ID: 320720). Algorithms developed to predict the effect of missense changes on protein structure and function output the following: SIFT: "Deleterious"; PolyPhen-2: "Benign"; Align-GVGD: "Class C0". The arginine amino acid residue is found in multiple mammalian species, which suggests that this missense change does not adversely affect protein function. In summary, the available evidence is currently insufficient to determine the role of this variant in disease. Therefore, it has been classified as a Variant of Uncertain Significance.

Illumina Laboratory Services, Illumina
Classification: Uncertain significance for Deficiency of malonyl-CoA decarboxylase. Last evaluated: 2018-01-13. Review status: criteria provided, single submitter. Criteria: ICSL Variant Classification Criteria 13 December 2019. Collection method: clinical testing. Allele origin: germline.

GeneDx
Classification: Likely benign. Last evaluated: 2017-05-22. Review status: criteria provided, single submitter. Criteria: GeneDx Variant Classification (06012015). Collection method: clinical testing. Allele origin: germline. Affected: yes.
Comment: This variant is considered likely benign or benign based on one or more of the following criteria: it is a conservative change, it occurs at a poorly conserved position in the protein, it is predicted to be benign by multiple in silico algorithms, and/or has population frequency not consistent with disease.

PreventionGenetics, part of Exact Sciences
Classification: Likely benign for MLYCD-related condition. Last evaluated: 2020-02-14. Review status: no assertion criteria provided. Collection method: clinical testing. Allele origin: germline. Not counted in ClinVar's aggregate classification.
Comment: This variant is classified as likely benign based on ACMG/AMP sequence variant interpretation guidelines (Richards et al. 2015 PMID: 25741868, with internal and published modifications).